The following is an entry in ClinVar:

ClinVar aggregate classification (germline): Uncertain significance (1 of 4 stars; one submission).

Allele frequency attached by ClinVar (database versions not stated): gnomAD exomes below 0.00001.

Submission:

Labcorp Genetics (formerly Invitae), Labcorp
Classification: Uncertain significance. Last evaluated: 2022-09-06. Review status: criteria provided, single submitter. Criteria: Invitae Variant Classification Sherloc (09022015). Collection method: clinical testing. Allele origin: germline.
Comment: In summary, the available evidence is currently insufficient to determine the role of this variant in disease. Therefore, it has been classified as a Variant of Uncertain Significance. Experimental studies and prediction algorithms are not available or were not evaluated, and the functional significance of this variant is currently unknown. This variant has not been reported in the literature in individuals affected with NKX6-2-related conditions. This variant is not present in population databases (gnomAD no frequency). This sequence change creates a premature translational stop signal (p.Lys216Argfs*10) in the NKX6-2 gene. While this is not anticipated to result in nonsense mediated decay, it is expected to disrupt the last 62 amino acid(s) of the NKX6-2 protein.

NM_177400.3(NKX6-2):c.645del (p.Lys216fs)

Gene: NKX6-2 (NK6 homeobox 2; minus strand). Cytogenetic location: 10q26.3.
Variant type: Deletion.
Coding change: c.645del on transcript NM_177400.3 (MANE Select); coding-DNA position 645, one base deleted (G; older notation c.645delG).
Protein change: p.Lys216fs; shifts the reading frame from lysine 216.
Molecular consequence: frameshift variant.
Genome position (GRCh38, 1-based): chr10:132,785,105, C deleted on the plus strand (G on the coding strand, the reverse complement: NKX6-2 is on the minus strand). VCF-style (leftmost placement, unchanged base first): chr10-132785104-TC-T. GRCh37 (hg19) VCF-style: chr10-134598608-TC-T.
Other names: short protein forms K216fs.
Identifiers: ClinVar variation 2095129 (VCV002095129.2), dbSNP rs2493480138, ClinGen allele CA2580082462.